The following is an entry in ClinVar:

ClinVar aggregate classification (germline): Benign. Review status: reviewed by expert panel (3 of 4 stars). 4 submissions from 4 submitters: Benign (1). 3 of the submissions do not count toward it. Last evaluated 2017-06-29.

Conditions:
Hereditary breast ovarian cancer syndrome. Also called: Hereditary breast and ovarian cancer syndrome (HBOC); BRCA1- and BRCA2-Associated Hereditary Breast and Ovarian Cancer; Hereditary breast and/or ovarian cancer syndrome; Hereditary breast and ovarian cancer syndrome; Hereditary breast and ovarian cancer; Breast and ovarian cancer. Identifiers: Orphanet 145, MedGen C0677776, MeSH D061325, MONDO:0003582. Disease mechanism: loss of function.
Hereditary cancer-predisposing syndrome. Also called: Neoplastic Syndromes, Hereditary; Hereditary neoplastic syndrome; Tumor predisposition; Hereditary Cancer Syndrome. Identifiers: Orphanet 140162, MedGen C0027672, MeSH D009386, MONDO:0015356.
Breast-ovarian cancer, familial, susceptibility to, 1 (BROVCA1). Also called: BRCA1 Hereditary Breast and Ovarian Cancer; OVARIAN CANCER, SUSCEPTIBILITY TO. Identifiers: Orphanet 145, MedGen C2676676, MONDO:0011450, OMIM 604370. Disease mechanism: loss of function.

Submissions (4):

Evidence-based Network for the Interpretation of Germline Mutant Alleles (ENIGMA)
Classification: Benign for Breast-ovarian cancer, familial, susceptibility to, 1. Last evaluated: 2017-06-29. Review status: reviewed by expert panel. Criteria: ENIGMA BRCA1/2 Classification Criteria (2017-06-29). Collection method: curation. Allele origin: germline.
Comment: Synonymous substitution variant, with low bioinformatic likelihood to alter mRNA splicing (splicing prior 0.02) and frequency 0.001 (East Asian), derived from ExAC (2014-12-17).

All of Us Research Program, National Institutes of Health
Classification: Likely benign for Breast-ovarian cancer, familial, susceptibility to, 1. Last evaluated: 2023-04-03. Review status: criteria provided, single submitter. Criteria: ACMG Guidelines, 2015. Collection method: clinical testing. Allele origin: germline. Inheritance: Autosomal dominant inheritance. Observed: 2 variant alleles, 2 heterozygotes. Not counted in ClinVar's aggregate classification.
Comment: This study involves interpretation of variants in research participants for the purpose of population health screening. Participant phenotype was not available at the time of variant classification. Additional details can be found in publication PMID: 35346344, PMCID: PMC8962531

Labcorp Genetics (formerly Invitae), Labcorp
Classification: Likely benign for Hereditary breast ovarian cancer syndrome. Last evaluated: 2022-03-08. Review status: criteria provided, single submitter. Criteria: Invitae Variant Classification Sherloc (09022015). Collection method: clinical testing. Allele origin: germline. Not counted in ClinVar's aggregate classification.

Ambry Genetics
Classification: Likely benign for Hereditary cancer-predisposing syndrome. Last evaluated: 2021-12-21. Review status: criteria provided, single submitter. Criteria: Ambry Variant Classification Scheme 2023. Collection method: clinical testing. Allele origin: germline. Not counted in ClinVar's aggregate classification.

NM_007294.4(BRCA1):c.958A>C (p.Arg320=)

Gene: BRCA1 (BRCA1 DNA repair associated; minus strand). Cytogenetic location: 17q21.31.
Variant type: single nucleotide variant.
Coding change: c.958A>C on transcript NM_007294.4 (MANE Select); coding-DNA position 958, A replaced by C.
Protein change: p.Arg320=; no amino-acid change (arginine 320 retained).
Molecular consequence: synonymous variant. On other transcripts: intron variant (137).
Genome position (GRCh38, 1-based): chr17:43,094,573, T>G on the plus strand (A>C on the coding strand, the complement: BRCA1 is on the minus strand). VCF-style: chr17-43094573-T-G. GRCh37 (hg19) VCF-style: chr17-41246590-T-G.
Other names: c.745A>C, p.Arg249= (NM_001407571.1, NM_001407853.1, NM_001407894.1 and 9 more transcripts); c.958A>C, p.Arg320= (NM_001407581.1, NM_001407582.1, NM_001407583.1 and 30 more transcripts); c.955A>C, p.Arg319= (NM_001407587.1, NM_001407590.1, NM_001407591.1 and 22 more transcripts); c.949A>C, p.Arg317= (NM_001407646.1, NM_001407647.1); c.835A>C, p.Arg279= (NM_001407648.1, NM_001407664.1, NM_001407665.1 and 19 more transcripts); c.832A>C, p.Arg278= (NM_001407649.1, NM_001407670.1, NM_001407671.1 and 11 more transcripts); c.880A>C, p.Arg294= (NM_001407653.1, NM_001407654.1, NM_001407655.1 and 4 more transcripts); c.877A>C, p.Arg293= (NM_001407659.1, NM_001407660.1, NM_001407661.1 and 1 more transcripts); and 40 more.
Identifiers: ClinVar variation 427247 (VCV000427247.12), dbSNP rs1131692065, ClinGen allele CA500234082.